The following is an entry in ClinVar:

ClinVar aggregate classification (germline): Uncertain significance. Review status: criteria provided, multiple submitters, no conflicts (2 of 4 stars). 3 submissions from 3 submitters: Uncertain significance (2). 1 of the submissions does not count toward it. Last evaluated 2024-01-11.

Conditions:
Hepatoblastoma. Identifiers: Orphanet 449, MedGen C0206624, MONDO:0018666, HP:0002884.
Fanconi anemia (FA). Also called: Fanconi's anemia. Identifiers: Orphanet 84, MedGen C0015625, MeSH D005199, MONDO:0019391.

Submissions (3):

Labcorp Genetics (formerly Invitae), Labcorp
Classification: Uncertain significance for Fanconi anemia. Last evaluated: 2024-01-11. Review status: criteria provided, single submitter. Criteria: Invitae Variant Classification Sherloc (09022015). Collection method: clinical testing. Allele origin: germline.
Comment: This sequence change replaces aspartic acid, which is acidic and polar, with asparagine, which is neutral and polar, at codon 1529 of the FANCM protein (p.Asp1529Asn). This variant is not present in population databases (gnomAD no frequency). This variant has not been reported in the literature in individuals affected with FANCM-related conditions. ClinVar contains an entry for this variant (Variation ID: 1343302). An algorithm developed to predict the effect of missense changes on protein structure and function (PolyPhen-2) suggests that this variant is likely to be disruptive. In summary, the available evidence is currently insufficient to determine the role of this variant in disease. Therefore, it has been classified as a Variant of Uncertain Significance.

Mendelics
Classification: Uncertain significance. Last evaluated: 2022-05-04. Review status: criteria provided, single submitter. Criteria: Mendelics Assertion Criteria 2019. Collection method: clinical testing. Allele origin: germline.

Molecular Oncology -  Human Genetics Lab, University of Sao Paulo
Classification: Uncertain significance for Hepatoblastoma. Review status: no assertion criteria provided. Collection method: research. Allele origin: germline. Affected: yes. Not counted in ClinVar's aggregate classification.

NM_020937.4(FANCM):c.4585G>A (p.Asp1529Asn)

Gene: FANCM (FA complementation group M; plus strand). Cytogenetic location: 14q21.2.
Variant type: single nucleotide variant.
Coding change: c.4585G>A on transcript NM_020937.4 (MANE Select); coding-DNA position 4585, G replaced by A.
Protein change: p.Asp1529Asn; replaces aspartic acid 1529 with asparagine.
Molecular consequence: missense variant.
Genome position (GRCh38, 1-based): chr14:45,185,286, G>A. VCF-style: chr14-45185286-G-A. GRCh37 (hg19) VCF-style: chr14-45654489-G-A.
Other names: c.4507G>A, p.Asp1503Asn (NM_001308133.2); short protein forms D1503N, D1529N.
Identifiers: ClinVar variation 1343302 (VCV001343302.5), dbSNP rs1245071059, ClinGen allele CA389608213.